The following is an entry in ClinVar:

NM_015459.5(ATL3):c.244C>T (p.Arg82Ter)

Gene: ATL3 (atlastin GTPase 3; minus strand). Cytogenetic location: 11q13.1.
Variant type: single nucleotide variant.
Coding change: c.244C>T on transcript NM_015459.5 (MANE Select); coding-DNA position 244, C replaced by T.
Protein change: p.Arg82Ter; replaces arginine 82 with a stop codon.
Molecular consequence: nonsense.
Genome position (GRCh38, 1-based): chr11:63,659,055, G>A on the plus strand (C>T on the coding strand, the complement: ATL3 is on the minus strand). VCF-style: chr11-63659055-G-A. GRCh37 (hg19) VCF-style: chr11-63426527-G-A.
Other names: c.190C>T, p.Arg64Ter (NM_001290048.2); short protein forms R82*, R64*.
Identifiers: ClinVar variation 1791459 (VCV001791459.4), dbSNP rs772705343, ClinGen allele CA6063850.

ClinVar aggregate classification (germline): Uncertain significance. Review status: criteria provided, multiple submitters, no conflicts (2 of 4 stars). 2 submissions from 2 submitters: Uncertain significance (2). Last evaluated 2024-02-04.

Conditions:
Neuropathy, hereditary sensory, type 1F. Also called: HSN IF; Hereditary sensory neuropathy type IF. Identifiers: Orphanet 36386, MedGen C3810194, MONDO:0014286, OMIM 615632.
Inborn genetic diseases. Identifiers: MedGen C0950123, MeSH D030342.

Allele frequency attached by ClinVar (database versions not stated): ExAC 0.00001; gnomAD exomes 0.00001; TOPMed 0.00001; gnomAD 0.00002.
gnomAD v4.1: 18 of 1,613,680 alleles (0.0011%); highest among the groups gnomAD compares: East Asian, 0.0022%; no homozygotes.

Submissions (2):

Labcorp Genetics (formerly Invitae), Labcorp
Classification: Uncertain significance for Neuropathy, hereditary sensory, type 1F. Last evaluated: 2024-02-04. Review status: criteria provided, single submitter. Criteria: Invitae Variant Classification Sherloc (09022015). Collection method: clinical testing. Allele origin: germline.
Comment: This sequence change creates a premature translational stop signal (p.Arg82*) in the ATL3 gene. It is expected to result in an absent or disrupted protein product. However, the current clinical and genetic evidence is not sufficient to establish whether loss-of-function variants in ATL3 cause disease. This variant is present in population databases (rs772705343, gnomAD 0.002%). This variant has not been reported in the literature in individuals affected with ATL3-related conditions. ClinVar contains an entry for this variant (Variation ID: 1791459). In summary, the available evidence is currently insufficient to determine the role of this variant in disease. Therefore, it has been classified as a Variant of Uncertain Significance.

Ambry Genetics
Classification: Uncertain significance for Inborn genetic diseases. Last evaluated: 2021-05-20. Review status: criteria provided, single submitter. Criteria: Ambry Variant Classification Scheme 2023. Collection method: clinical testing. Allele origin: germline.
Comment: The p.R82* variant (also known as c.244C>T), located in coding exon 2 of the ATL3 gene, results from a C to T substitution at nucleotide position 244. This changes the amino acid from an arginine to a stop codon within coding exon 2. This alteration is expected to result in premature protein truncation or nonsense-mediated mRNA decay. However, loss of function of ATL3 has not been clearly established as a mechanism of disease. Since supporting evidence is limited at this time, the clinical significance of this alteration remains unclear.